The following is an entry in ClinVar:

NM_015295.3(SMCHD1):c.404G>T (p.Ser135Ile)

Gene: SMCHD1 (structural maintenance of chromosomes flexible hinge domain containing 1; plus strand). Cytogenetic location: 18p11.32.
Variant type: single nucleotide variant.
Coding change: c.404G>T on transcript NM_015295.3 (MANE Select); coding-DNA position 404, G replaced by T.
Protein change: p.Ser135Ile; replaces serine 135 with isoleucine.
Molecular consequence: missense variant.
Genome position (GRCh38, 1-based): chr18:2,667,011, G>T. VCF-style: chr18-2667011-G-T. GRCh37 (hg19) VCF-style: chr18-2667010-G-T.
Other names: short protein forms S135I.
Identifiers: ClinVar variation 375768 (VCV000375768.3), dbSNP rs1057519646, ClinGen allele CA16602283.

ClinVar aggregate classification (germline): Likely pathogenic. Review status: criteria provided, single submitter (1 of 4 stars). 3 submissions from 3 submitters: Likely pathogenic (1). 2 of the submissions do not count toward it. Last evaluated 2025-01-31.

Conditions:
Arrhinia with choanal atresia and microphthalmia syndrome. Also called: Arrhinia-choanal atresia-microphthalmia syndrome; ARHINIA, CHOANAL ATRESIA, MICROPHTHALMIA, AND HYPOGONADOTROPIC HYPOGONADISM; Arhinia, choanal atresia, and microphthalmia. Identifiers: Orphanet 1135, Orphanet 2250, MedGen C1863878, MONDO:0011323, OMIM 603457.

Submissions (3):

GeneDx
Classification: Likely pathogenic. Last evaluated: 2025-01-31. Review status: criteria provided, single submitter. Criteria: GeneDx Variant Classification Process June 2021. Collection method: clinical testing. Allele origin: germline. Affected: yes.
Comment: Not observed at significant frequency in large population cohorts (gnomAD); In silico analysis supports that this missense variant has a deleterious effect on protein structure/function; This variant is associated with the following publications: (PMID: 32779700, 28067909)

OMIM
Classification: Pathogenic for BOSMA ARHINIA MICROPHTHALMIA SYNDROME. Last evaluated: 2017-02-27. Review status: no assertion criteria provided. Collection method: literature only. Allele origin: germline. Not counted in ClinVar's aggregate classification.

MGH Harvard Center for Reproductive Medicine, Massachusetts General Hospital
Classification: Pathogenic for Arrhinia with choanal atresia and microphthalmia syndrome. Review status: no assertion criteria provided. Collection method: research. Allele origin: de novo. Affected: yes. Observed: 1 variant allele. Not counted in ClinVar's aggregate classification.

Literature cited by the submitters: PubMed 28067909 (cited by OMIM and MGH Harvard Center for Reproductive Medicine, Massachusetts General Hospital).